The following is an entry in ClinVar:

NM_022124.6(CDH23):c.9606C>A (p.Gly3202=)

Gene: CDH23 (cadherin related 23; plus strand). Cytogenetic location: 10q22.1.
Variant type: single nucleotide variant.
Coding change: c.9606C>A on transcript NM_022124.6 (MANE Select); coding-DNA position 9606, C replaced by A.
Protein change: p.Gly3202=; no amino-acid change (glycine 3202 retained).
Molecular consequence: synonymous variant.
Genome position (GRCh38, 1-based): chr10:71,812,863, C>A. VCF-style: chr10-71812863-C-A. GRCh37 (hg19) VCF-style: chr10-73572620-C-A.
Other names: c.2886C>A, p.Gly962= (NM_001171933.1, NM_001171934.1); c.297C>A, p.Gly99= (NM_001171935.1, NM_001171936.1).
Identifiers: ClinVar variation 748452 (VCV000748452.17), dbSNP rs193244823, ClinGen allele CA5547133.

ClinVar aggregate classification (germline): Likely benign. Review status: criteria provided, multiple submitters, no conflicts (2 of 4 stars). 5 submissions from 5 submitters: Likely benign (4). 1 of the submissions does not count toward it. Last evaluated 2026-01-05.

Conditions:
Usher syndrome type 1 (USH1). Also called: RETINITIS PIGMENTOSA AND CONGENITAL DEAFNESS. Identifiers: Orphanet 231169, Orphanet 886, MedGen C1568247, MONDO:0010168, OMIM 276900.
CDH23-related disorder. Also called: CDH23-related disorders; CDH23-related condition.

Allele frequency attached by ClinVar (database versions not stated): gnomAD exomes 0.00002 and 0.00009; ExAC 0.00015; ESP Exome Variant Server 0.00040; TOPMed 0.00040; gnomAD 0.00045 and 0.00047; 1000 Genomes Project 30x 0.00094; 1000 Genomes Project 0.00100.
gnomAD v4.1: 97 of 1,613,662 alleles (0.006%); highest among the groups gnomAD compares: African/African-American, 0.12%; no homozygotes.

Submissions (5):

Labcorp Genetics (formerly Invitae), Labcorp
Classification: Likely benign. Last evaluated: 2026-01-05. Review status: criteria provided, single submitter. Criteria: Invitae Variant Classification Sherloc (09022015). Collection method: clinical testing. Allele origin: germline.

PreventionGenetics, part of Exact Sciences
Classification: Likely benign for CDH23-related condition. Last evaluated: 2024-11-08. Review status: criteria provided, single submitter. Criteria: ACMG Guidelines, 2015. Collection method: clinical testing. Allele origin: germline.
Comment: This variant is classified as likely benign based on ACMG/AMP sequence variant interpretation guidelines (Richards et al. 2015 PMID: 25741868, with internal and published modifications).

Blueprint Genetics
Classification: Likely benign. Last evaluated: 2023-04-11. Review status: criteria provided, single submitter. Criteria: ACMG Guidelines, 2015. Collection method: clinical testing. Allele origin: germline.

GeneDx
Classification: Likely benign. Last evaluated: 2019-12-04. Review status: criteria provided, single submitter. Criteria: GeneDx Variant Classification Process June 2021. Collection method: clinical testing. Allele origin: germline. Affected: yes.

Natera, Inc.
Classification: Uncertain significance for Usher syndrome type 1. Last evaluated: 2020-01-24. Review status: no assertion criteria provided. Collection method: clinical testing. Allele origin: germline. Not counted in ClinVar's aggregate classification.